The following is an entry in ClinVar:

ClinVar aggregate classification (germline): Uncertain significance (1 of 4 stars; one submission).

Submission:

GeneDx
Classification: Uncertain significance. Last evaluated: 2026-02-27. Review status: criteria provided, single submitter. Criteria: GeneDx Variant Classification Process June 2021. Collection method: clinical testing. Allele origin: germline.
Comment: Nonsense variant predicted to result in protein truncation or nonsense mediated decay in a gene or region of a gene for which loss of function is not a well-established mechanism of disease; Not observed at significant frequency in large population cohorts (gnomAD); Has not been previously published as pathogenic or benign to our knowledge

NM_017672.6(TRPM7):c.3299dup (p.Tyr1100Ter)

Gene: TRPM7 (transient receptor potential cation channel subfamily M member 7; minus strand). Cytogenetic location: 15q21.2.
Variant type: Duplication.
Coding change: c.3299dup on transcript NM_017672.6 (MANE Select); coding-DNA position 3299, one base duplicated (A; older notation c.3299dupA).
Protein change: p.Tyr1100Ter; replaces tyrosine 1100 with a stop codon.
Molecular consequence: nonsense. On other transcripts: non-coding transcript variant (3).
Genome position (GRCh38, 1-based): chr15:50,594,605, T duplicated on the plus strand (A on the coding strand, the reverse complement: TRPM7 is on the minus strand). VCF-style (leftmost placement, unchanged base first): chr15-50594604-A-AT. GRCh37 (hg19) VCF-style: chr15-50886801-A-AT.
Other names: c.3299dup, p.Tyr1100Ter (NM_001301212.2); short protein forms Y1100*.
Identifiers: ClinVar variation 4976559 (VCV004976559.1).